The following is an entry in ClinVar:

NM_001430.5(EPAS1):c.1726C>T (p.Pro576Ser)

Gene: EPAS1 (endothelial PAS domain protein 1; plus strand). Cytogenetic location: 2p21.
Variant type: single nucleotide variant.
Coding change: c.1726C>T on transcript NM_001430.5 (MANE Select); coding-DNA position 1726, C replaced by T.
Protein change: p.Pro576Ser; replaces proline 576 with serine.
Molecular consequence: missense variant.
Genome position (GRCh38, 1-based): chr2:46,380,398, C>T. VCF-style: chr2-46380398-C-T. GRCh37 (hg19) VCF-style: chr2-46607537-C-T.
Other names: short protein forms P576S.
Identifiers: ClinVar variation 3221572 (VCV003221572.1), dbSNP rs2546477067, ClinGen allele CA346704754.

ClinVar aggregate classification (germline): Uncertain significance (1 of 4 stars; one submission).

Conditions:
Inborn genetic diseases. Identifiers: MedGen C0950123, MeSH D030342.

Allele frequency attached by ClinVar (database versions not stated): gnomAD exomes below 0.00001.
gnomAD v4.1: 1 of 1,614,170 alleles (0.000062%); highest among the groups gnomAD compares: Non-Finnish European, 0.000085%; no homozygotes.

Submission:

Ambry Genetics
Classification: Uncertain significance for Inborn genetic diseases. Last evaluated: 2023-11-18. Review status: criteria provided, single submitter. Criteria: Ambry Variant Classification Scheme 2023. Collection method: clinical testing. Allele origin: germline.
Comment: The p.P576S variant (also known as c.1726C>T), located in coding exon 12 of the EPAS1 gene, results from a C to T substitution at nucleotide position 1726. The proline at codon 576 is replaced by serine, an amino acid with similar properties. This amino acid position is conserved. In addition, this alteration is predicted to be tolerated by in silico analysis. Since supporting evidence is limited at this time, the clinical significance of this alteration remains unclear.